The following is an entry in ClinVar:

NM_007294.4(BRCA1):c.411del (p.Leu138fs)

Gene: BRCA1 (BRCA1 DNA repair associated; minus strand). Cytogenetic location: 17q21.31.
Variant type: Deletion.
Coding change: c.411del on transcript NM_007294.4 (MANE Select); coding-DNA position 411, one base deleted (T; older notation c.411delT).
Protein change: p.Leu138fs; shifts the reading frame from leucine 138.
Molecular consequence: frameshift variant. On other transcripts: non-coding transcript variant (1).
Genome position (GRCh38, 1-based): chr17:43,104,152, A deleted on the plus strand (T on the coding strand, the reverse complement: BRCA1 is on the minus strand); the first of 2 consecutive A bases (chr17:43,104,152-43,104,153); deleting either gives the same sequence. VCF-style (leftmost placement, unchanged base first): chr17-43104151-GA-G. GRCh37 (hg19) VCF-style: chr17-41256168-GA-G.
Other names: 530delT; c.269delT, p.Leu91Tyrfs (NM_001408465.1, NM_001408466.1, NM_001408467.1 and 98 more transcripts); c.410delT, p.Leu138Tyrfs (NM_001408472.1, NM_001408473.1, NM_001408494.1 and 164 more transcripts); c.332delT, p.Leu112Tyrfs (NM_001408474.1, NM_001408475.1, NM_001408476.1 and 21 more transcripts); c.200delT, p.Leu68Tyrfs (NM_001408478.1, NM_001408479.1, NM_001408480.1 and 58 more transcripts); c.29delT, p.Leu11Tyrfs (NM_001408510.1, NM_001408512.1, NM_001407959.1 and 4 more transcripts); c.270del, p.Leu91fs (NM_007297.4); c.411del, p.Leu138fs (NM_007299.4, NM_007300.4); and 3 more; short protein forms L91fs, L138fs.
Identifiers: ClinVar variation 266447 (VCV000266447.8), dbSNP rs886040205, ClinGen allele CA10590011.

ClinVar aggregate classification (germline): Pathogenic. Review status: reviewed by expert panel (3 of 4 stars). 4 submissions from 4 submitters: Pathogenic (1). 3 of the submissions do not count toward it. Last evaluated 2016-10-18.

Conditions:
Inherited breast cancer and ovarian cancer.
Breast-ovarian cancer, familial, susceptibility to, 1 (BROVCA1). Also called: BRCA1 Hereditary Breast and Ovarian Cancer; OVARIAN CANCER, SUSCEPTIBILITY TO. Identifiers: Orphanet 145, MedGen C2676676, MONDO:0011450, OMIM 604370. Disease mechanism: loss of function.

Submissions (4):

Evidence-based Network for the Interpretation of Germline Mutant Alleles (ENIGMA)
Classification: Pathogenic for Breast-ovarian cancer, familial, susceptibility to, 1. Last evaluated: 2016-10-18. Review status: reviewed by expert panel. Criteria: ENIGMA BRCA1/2 Classification Criteria (2015). Collection method: curation. Allele origin: germline.
Comment: Variant allele predicted to encode a truncated non-functional protein.

Genetics Laboratory, Great Ormond Street Hospital NHS Foundation Trust, North Thames Genomic Laboratory Hub
Classification: Pathogenic for Inherited breast cancer and ovarian cancer. Last evaluated: 2026-01-28. Review status: criteria provided, single submitter. Criteria: CanVIG BRCA Gene Specific V1.22. Collection method: clinical testing. Allele origin: germline. Affected: yes. Not counted in ClinVar's aggregate classification.
Comment: PM2_moderate, PVS1_very-strong, PM5_strong

Institute of Human Genetics, FAU Erlangen, Friedrich-Alexander-Universität Erlangen-Nürnberg
Classification: Pathogenic. Last evaluated: 2025-05-22. Review status: criteria provided, single submitter. Criteria: Hauer et al. (Genet Med. 2018). Collection method: clinical testing. Allele origin: germline. Inheritance: Unknown mechanism. Affected: yes. Observed: 1 variant allele. Not counted in ClinVar's aggregate classification.
Comment: This variant has been identified by standard clinical testing.

Consortium of Investigators of Modifiers of BRCA1/2 (CIMBA), c/o University of Cambridge
Classification: Pathogenic for Breast-ovarian cancer, familial, susceptibility to, 1. Last evaluated: 2015-10-02. Review status: criteria provided, single submitter. Criteria: CIMBA Mutation Classification guidelines May 2016. Collection method: clinical testing. Allele origin: germline. Not counted in ClinVar's aggregate classification.